The following is an entry in ClinVar:

ClinVar aggregate classification (germline): Uncertain significance (1 of 4 stars; one submission).

Submission:

Labcorp Genetics (formerly Invitae), Labcorp
Classification: Uncertain significance. Last evaluated: 2025-06-28. Review status: criteria provided, single submitter. Criteria: Invitae Variant Classification Sherloc (09022015). Collection method: clinical testing. Allele origin: germline.
Comment: This sequence change falls in intron 2 of the RBPJ gene. It does not directly change the encoded amino acid sequence of the RBPJ protein. It affects a nucleotide within the consensus splice site. This variant is not present in population databases (gnomAD no frequency). This variant has not been reported in the literature in individuals affected with RBPJ-related conditions. Variants that disrupt the consensus splice site are a relatively common cause of aberrant splicing (PMID: 17576681, 9536098). Algorithms developed to predict the effect of sequence changes on RNA splicing suggest that this variant may disrupt the consensus splice site. In summary, the available evidence is currently insufficient to determine the role of this variant in disease. Therefore, it has been classified as a Variant of Uncertain Significance.

Literature cited by the submitters: PubMed 17576681; PubMed 9536098.

NC_000004.12:g.26320820G>T

Gene: RBPJ (recombination signal binding protein for immunoglobulin kappa J region; plus strand). Cytogenetic location: 4p15.2.
Variant type: single nucleotide variant.
Molecular consequence: intron variant (on NM_001374401.1).
Genome position: GRCh38 VCF-style: chr4-26320820-G-T. GRCh37 (hg19) VCF-style: chr4-26322442-G-T.
Other names: c.-166-41626G>T (NM_001374401.1); c.-167+5G>T (NM_001379407.1); c.59+5G>T (NM_005349.4, NM_001379408.1, NM_001374400.1); c.-167+932G>T (NM_001379406.1); c.-47+932G>T (NM_203283.5); c.14+932G>T (NM_001379409.1).
Identifiers: ClinVar variation 4721884 (VCV004721884.1).